The following is an entry in ClinVar:

NM_001903.5(CTNNA1):c.1093A>G (p.Asn365Asp)

Gene: CTNNA1 (catenin alpha 1; plus strand). Cytogenetic location: 5q31.2.
Variant type: single nucleotide variant.
Coding change: c.1093A>G on transcript NM_001903.5 (MANE Select); coding-DNA position 1093, A replaced by G.
Protein change: p.Asn365Asp; replaces asparagine 365 with aspartic acid.
Molecular consequence: missense variant. On other transcripts: 5 prime UTR variant (26), intron variant (2).
Genome position (GRCh38, 1-based): chr5:138,886,242, A>G. VCF-style: chr5-138886242-A-G. GRCh37 (hg19) VCF-style: chr5-138221931-A-G.
Other names: c.1093A>G, p.Asn365Asp (NM_001290307.3, NM_001323982.2, NM_001323983.1 and 3 more transcripts); c.784A>G, p.Asn262Asp (NM_001290309.3); c.724A>G, p.Asn242Asp (NM_001290310.3); c.-18A>G (NM_001290312.1, NM_001323987.1, NM_001323988.1 and 18 more transcripts); c.-415A>G (NM_001324006.1, NM_001324007.1, NM_001324008.1 and 1 more transcripts); c.-290A>G (NM_001324013.1); c.-58+10645A>G (NM_001324012.1); c.-61+10645A>G (NM_001324010.1); short protein forms N242D, N365D, N262D.
Identifiers: ClinVar variation 5035021 (VCV005035021.1).

ClinVar aggregate classification (germline): Uncertain significance (1 of 4 stars; one submission).

Conditions:
Hereditary cancer-predisposing syndrome. Also called: Hereditary Cancer Syndrome; Neoplastic Syndromes, Hereditary; Tumor predisposition; Hereditary neoplastic syndrome. Identifiers: Orphanet 140162, MedGen C0027672, MeSH D009386, MONDO:0015356.

Submission:

Ambry Genetics
Classification: Uncertain significance for Hereditary cancer-predisposing syndrome. Last evaluated: 2026-09-06. Review status: criteria provided, single submitter. Criteria: Ambry Variant Classification Scheme 2023. Collection method: clinical testing. Allele origin: germline.
Comment: The p.N365D variant (also known as c.1093A>G), located in coding exon 7 of the CTNNA1 gene, results from an A to G substitution at nucleotide position 1093. The asparagine at codon 365 is replaced by aspartic acid, an amino acid with highly similar properties. This amino acid position is conserved. In addition, this alteration is predicted to be tolerated by in silico analysis. Based on the available evidence, the clinical significance of this variant remains unclear.